The following is an entry in ClinVar:

ClinVar aggregate classification (germline): Uncertain significance (1 of 4 stars; one submission).

Conditions:
Joubert syndrome. Also called: JOUBERT-BOLTSHAUSER SYNDROME; Familial aplasia of the vermis. Identifiers: Orphanet 475, MedGen C5979921, MONDO:0018772.
Meckel-Gruber syndrome. Also called: DYSENCEPHALIA SPLANCHNOCYSTICA; GRUBER SYNDROME; Dysencephalia splachnocystica. Identifiers: Orphanet 564, MedGen C0265215, MONDO:0018921.

Submission:

Labcorp Genetics (formerly Invitae), Labcorp
Classification: Uncertain significance for Joubert syndrome; Meckel-Gruber syndrome. Last evaluated: 2022-03-02. Review status: criteria provided, single submitter. Criteria: Invitae Variant Classification Sherloc (09022015). Collection method: clinical testing. Allele origin: germline.
Comment: This sequence change replaces leucine, which is neutral and non-polar, with phenylalanine, which is neutral and non-polar, at codon 454 of the CC2D2A protein (p.Leu454Phe). This variant is not present in population databases (gnomAD no frequency). This missense change has been observed in individual(s) with clinical features of inherited retinal dystrophy (Invitae). Algorithms developed to predict the effect of missense changes on protein structure and function are either unavailable or do not agree on the potential impact of this missense change (SIFT: "Deleterious"; PolyPhen-2: "Probably Damaging"; Align-GVGD: "Class C0"). In summary, the available evidence is currently insufficient to determine the role of this variant in disease. Therefore, it has been classified as a Variant of Uncertain Significance.

NM_001378615.1(CC2D2A):c.1360C>T (p.Leu454Phe)

Genes: CC2D2A (coiled-coil and C2 domain containing 2A; plus strand), FBXL5 (F-box and leucine rich repeat protein 5; minus strand). Cytogenetic location: 4p15.32.
Variant type: single nucleotide variant.
Coding change: c.1360C>T on transcript NM_001378615.1 (MANE Select); coding-DNA position 1360, C replaced by T.
Protein change: p.Leu454Phe; replaces leucine 454 with phenylalanine.
Molecular consequence: missense variant.
Genome position (GRCh38, 1-based): chr4:15,528,620, C>T. VCF-style: chr4-15528620-C-T. GRCh37 (hg19) VCF-style: chr4-15530243-C-T.
Other names: c.1360C>T, p.Leu454Phe (NM_001080522.2); c.1213C>T, p.Leu405Phe (NM_001378617.1); short protein forms L405F, L454F.
Identifiers: ClinVar variation 1470564 (VCV001470564.3), dbSNP rs868776328, ClinGen allele CA92525304.